The following is an entry in ClinVar:

ClinVar aggregate classification (germline): Uncertain significance (1 of 4 stars; one submission).

gnomAD v4.1: 51 of 1,612,536 alleles (0.0032%); highest among the groups gnomAD compares: Non-Finnish European, 0.0039%; no homozygotes.

Submission:

Labcorp Genetics (formerly Invitae), Labcorp
Classification: Uncertain significance. Last evaluated: 2025-12-08. Review status: criteria provided, single submitter. Criteria: Invitae Variant Classification Sherloc (09022015). Collection method: clinical testing. Allele origin: germline.
Comment: This sequence change replaces proline, which is neutral and non-polar, with threonine, which is neutral and polar, at codon 957 of the COL11A2 protein (p.Pro957Thr). This variant is not present in population databases (gnomAD no frequency). This variant has not been reported in the literature in individuals affected with COL11A2-related conditions. ClinVar contains an entry for this variant (Variation ID: 2080255). Invitae Evidence Modeling of protein sequence and biophysical properties (such as structural, functional, and spatial information, amino acid conservation, physicochemical variation, residue mobility, and thermodynamic stability) indicates that this missense variant is not expected to disrupt COL11A2 protein function with a negative predictive value of 95%. In summary, the available evidence is currently insufficient to determine the role of this variant in disease. Therefore, it has been classified as a Variant of Uncertain Significance.

NM_080680.3(COL11A2):c.2869C>A (p.Pro957Thr)

Gene: COL11A2 (collagen type XI alpha 2 chain; minus strand). Cytogenetic location: 6p21.32.
Variant type: single nucleotide variant.
Coding change: c.2869C>A on transcript NM_080680.3 (MANE Select); coding-DNA position 2869, C replaced by A.
Protein change: p.Pro957Thr; replaces proline 957 with threonine.
Molecular consequence: missense variant.
Genome position (GRCh38, 1-based): chr6:33,172,559, G>T on the plus strand (C>A on the coding strand, the complement: COL11A2 is on the minus strand). VCF-style: chr6-33172559-G-T. GRCh37 (hg19) VCF-style: chr6-33140336-G-T.
Other names: c.2548C>A, p.Pro850Thr (NM_080679.3); c.2611C>A, p.Pro871Thr (NM_080681.3); short protein forms P871T, P850T, P957T.
Identifiers: ClinVar variation 2080255 (VCV002080255.3), dbSNP rs758052930, ClinGen allele CA137067917.